The following is an entry in ClinVar:

ClinVar aggregate classification (germline): Uncertain significance (1 of 4 stars; one submission).

gnomAD v4.1: 1 of 1,613,918 alleles (0.000062%); highest among the groups gnomAD compares: Non-Finnish European, 0.000085%; no homozygotes.

Submission:

Labcorp Genetics (formerly Invitae), Labcorp
Classification: Uncertain significance. Last evaluated: 2023-08-17. Review status: criteria provided, single submitter. Criteria: Invitae Variant Classification Sherloc (09022015). Collection method: clinical testing. Allele origin: germline.
Comment: In summary, the available evidence is currently insufficient to determine the role of this variant in disease. Therefore, it has been classified as a Variant of Uncertain Significance. Advanced modeling of protein sequence and biophysical properties (such as structural, functional, and spatial information, amino acid conservation, physicochemical variation, residue mobility, and thermodynamic stability) has been performed at Invitae for this missense variant, however the output from this modeling did not meet the statistical confidence thresholds required to predict the impact of this variant on NSD1 protein function. This variant has not been reported in the literature in individuals affected with NSD1-related conditions. This variant is present in population databases (no rsID available, gnomAD 0.007%). This sequence change replaces serine, which is neutral and polar, with cysteine, which is neutral and slightly polar, at codon 302 of the NSD1 protein (p.Ser302Cys).

NM_022455.5(NSD1):c.905C>G (p.Ser302Cys)

Gene: NSD1 (nuclear receptor binding SET domain protein 1; plus strand). Cytogenetic location: 5q35.3.
Variant type: single nucleotide variant.
Coding change: c.905C>G on transcript NM_022455.5 (MANE Select); coding-DNA position 905, C replaced by G.
Protein change: p.Ser302Cys; replaces serine 302 with cysteine.
Molecular consequence: missense variant.
Genome position (GRCh38, 1-based): chr5:177,136,008, C>G. VCF-style: chr5-177136008-C-G. GRCh37 (hg19) VCF-style: chr5-176563009-C-G.
Other names: c.32C>G, p.Ser11Cys (NM_001365684.2, NM_001409305.1, NM_001409306.1 and 4 more transcripts); c.905C>G, p.Ser302Cys (NM_001409301.1, NM_001409302.1, NM_001409303.1); c.485C>G, p.Ser162Cys (NM_001409304.1); short protein forms S11C, S162C, S302C.
Identifiers: ClinVar variation 3692336 (VCV003692336.2).